The following is an entry in ClinVar:

NM_020774.4(MIB1):c.1066G>A (p.Gly356Arg)

Gene: MIB1 (MIB E3 ubiquitin protein ligase 1; plus strand). Cytogenetic location: 18q11.2.
Variant type: single nucleotide variant.
Coding change: c.1066G>A on transcript NM_020774.4 (MANE Select); coding-DNA position 1066, G replaced by A.
Protein change: p.Gly356Arg; replaces glycine 356 with arginine.
Molecular consequence: missense variant.
Genome position (GRCh38, 1-based): chr18:21,791,531, G>A. VCF-style: chr18-21791531-G-A. GRCh37 (hg19) VCF-style: chr18-19371492-G-A.
Other names: short protein forms G356R.
Identifiers: ClinVar variation 1809884 (VCV001809884.1), dbSNP rs2510729342, ClinGen allele CA401749068.

ClinVar aggregate classification (germline): Uncertain significance (1 of 4 stars; one submission).

Submission:

GeneDx
Classification: Uncertain significance. Last evaluated: 2022-06-30. Review status: criteria provided, single submitter. Criteria: GeneDx Variant Classification Process June 2021. Collection method: clinical testing. Allele origin: germline. Affected: yes.
Comment: Not observed at significant frequency in large population cohorts (gnomAD); In silico analysis supports that this missense variant has a deleterious effect on protein structure/function; Has not been previously published as pathogenic or benign to our knowledge